The following is an entry in ClinVar:

ClinVar aggregate classification (germline): Likely benign (1 of 4 stars; one submission).

gnomAD v4.1: 1 of 1,550,186 alleles (0.000065%); highest among the groups gnomAD compares: Middle Eastern, 0.018%; no homozygotes.

Submission:

CeGaT Center for Human Genetics Tuebingen
Classification: Likely benign. Last evaluated: 2025-07-01. Review status: criteria provided, single submitter. Criteria: CeGaT Center For Human Genetics Tuebingen Variant Classification Criteria Version 2. Collection method: clinical testing. Allele origin: germline. Affected: yes. Observed: 1 variant allele.
Comment: ARHGAP23: BP4, BP7

NM_001199417.2(ARHGAP23):c.2802G>T (p.Gly934=)

Gene: ARHGAP23 (Rho GTPase activating protein 23; plus strand). Cytogenetic location: 17q12.
Variant type: single nucleotide variant.
Coding change: c.2802G>T on transcript NM_001199417.2 (MANE Select); coding-DNA position 2802, G replaced by T.
Protein change: p.Gly934=; no amino-acid change (glycine 934 retained).
Molecular consequence: synonymous variant.
Genome position (GRCh38, 1-based): chr17:38,482,573, G>T. VCF-style: chr17-38482573-G-T. GRCh37 (hg19) VCF-style: chr17-36638814-G-T.
Identifiers: ClinVar variation 4085518 (VCV004085518.8).
Genomic context (GRCh38, chr17:38,482,573, plus strand): 5'-GTGTCCCCAGCGCGTCCCCTTAATCGTGGCTGCATGCTGTCGCATTGTGGAGGCACGAGG[G>T]CTGGAGTCCACAGGCATTTACCGAGTGCCCGGCAACAATGCAGTGGTGTCCAGCCTACAG-3'
Protein context (NP_001186346.1, residues 924-944): AACCRIVEAR[Gly934=]LESTGIYRVP